The following is an entry in ClinVar:

ClinVar aggregate classification (germline): Pathogenic (1 of 4 stars; one submission).

Conditions:
Kostmann syndrome (SCN3). Also called: Autosomal recessive severe congenital neutropenia type 3; KOSTMANN DISEASE. Identifiers: Orphanet 99749, MedGen C5235141, MONDO:0012548, OMIM 610738.

Submission:

Labcorp Genetics (formerly Invitae), Labcorp
Classification: Pathogenic for Kostmann syndrome. Last evaluated: 2020-04-01. Review status: criteria provided, single submitter. Criteria: Invitae Variant Classification Sherloc (09022015). Collection method: clinical testing. Allele origin: germline.
Comment: Loss-of-function variants in HAX1 are known to be pathogenic (PMID: 17187068). This variant has not been reported in the literature in individuals with HAX1-related conditions. This variant is not present in population databases (ExAC no frequency). This sequence change creates a premature translational stop signal (p.Pro49Glnfs*36) in the HAX1 gene. It is expected to result in an absent or disrupted protein product. For these reasons, this variant has been classified as Pathogenic.

Literature cited by the submitters: PubMed 17187068.

NM_006118.4(HAX1):c.146del (p.Pro49fs)

Gene: HAX1 (HCLS1 associated protein X-1; plus strand). Cytogenetic location: 1q21.3.
Variant type: Deletion.
Coding change: c.146del on transcript NM_006118.4 (MANE Select); coding-DNA position 146, one base deleted (C; older notation c.146delC).
Protein change: p.Pro49fs; shifts the reading frame from proline 49.
Molecular consequence: frameshift variant. On other transcripts: intron variant (1).
Genome position (GRCh38, 1-based): chr1:154,273,428, C deleted; the last of 3 consecutive C bases (chr1:154,273,426-154,273,428); deleting any one gives the same sequence. VCF-style (leftmost placement, unchanged base first): chr1-154273425-AC-A. GRCh37 (hg19) VCF-style: chr1-154245901-AC-A.
Other names: c.54-52del (NM_001018837.2); short protein forms P49fs.
Identifiers: ClinVar variation 1071627 (VCV001071627.7), dbSNP rs2149139668, ClinGen allele CA2499214191.